The following is an entry in ClinVar:

NM_173689.7(CRB2):c.3718G>A (p.Gly1240Ser)

Gene: CRB2 (crumbs cell polarity complex component 2; plus strand). Cytogenetic location: 9q33.3.
Variant type: single nucleotide variant.
Coding change: c.3718G>A on transcript NM_173689.7 (MANE Select); coding-DNA position 3718, G replaced by A.
Protein change: p.Gly1240Ser; replaces glycine 1240 with serine.
Molecular consequence: missense variant. On other transcripts: non-coding transcript variant (1).
Genome position (GRCh38, 1-based): chr9:123,376,922, G>A. VCF-style: chr9-123376922-G-A. GRCh37 (hg19) VCF-style: chr9-126139201-G-A.
Other names: short protein forms G1240S.
Identifiers: ClinVar variation 2010643 (VCV002010643.4), dbSNP rs138763191, ClinGen allele CA5232602.

ClinVar aggregate classification (germline): Uncertain significance (1 of 4 stars; one submission).

Allele frequency attached by ClinVar (database versions not stated): gnomAD exomes below 0.00001; gnomAD 0.00003; TOPMed 0.00003; ExAC 0.00005; ESP Exome Variant Server 0.00008.
gnomAD v4.1: 7 of 1,608,290 alleles (0.00044%); highest among the groups gnomAD compares: African/African-American, 0.008%; no homozygotes.

Submission:

Labcorp Genetics (formerly Invitae), Labcorp
Classification: Uncertain significance. Last evaluated: 2022-06-25. Review status: criteria provided, single submitter. Criteria: Invitae Variant Classification Sherloc (09022015). Collection method: clinical testing. Allele origin: germline.
Comment: In summary, the available evidence is currently insufficient to determine the role of this variant in disease. Therefore, it has been classified as a Variant of Uncertain Significance. Algorithms developed to predict the effect of sequence changes on RNA splicing suggest that this variant may disrupt the consensus splice site. Algorithms developed to predict the effect of missense changes on protein structure and function are either unavailable or do not agree on the potential impact of this missense change (SIFT: "Tolerated"; PolyPhen-2: "Probably Damaging"; Align-GVGD: "Class C0"). This variant has not been reported in the literature in individuals affected with CRB2-related conditions. The frequency data for this variant in the population databases is considered unreliable, as metrics indicate poor data quality at this position in the gnomAD database. This sequence change replaces glycine, which is neutral and non-polar, with serine, which is neutral and polar, at codon 1240 of the CRB2 protein (p.Gly1240Ser).